The following is an entry in ClinVar:

ClinVar aggregate classification (germline): Uncertain significance (1 of 4 stars; one submission).

gnomAD v4.1: 1 of 1,603,732 alleles (0.000062%); highest among the groups gnomAD compares: East Asian, 0.0022%; no homozygotes.

Submission:

Ambry Genetics
Classification: Uncertain significance. Last evaluated: 2024-06-03. Review status: criteria provided, single submitter. Criteria: Ambry Variant Classification Scheme 2023. Collection method: clinical testing. Allele origin: germline.
Comment: The p.Q638E variant (also known as c.1912C>G), located in coding exon 18 of the PRKDC gene, results from a C to G substitution at nucleotide position 1912. The glutamine at codon 638 is replaced by glutamic acid, an amino acid with highly similar properties. This amino acid position is conserved. In addition, this alteration is predicted to be tolerated by in silico analysis. Based on the available evidence, the clinical significance of this variant remains unclear.

NM_006904.7(PRKDC):c.1912C>G (p.Gln638Glu)

Gene: PRKDC (protein kinase, DNA-activated, catalytic subunit; minus strand). Cytogenetic location: 8q11.21.
Variant type: single nucleotide variant.
Coding change: c.1912C>G on transcript NM_006904.7 (MANE Select); coding-DNA position 1912, C replaced by G.
Protein change: p.Gln638Glu; replaces glutamine 638 with glutamic acid.
Molecular consequence: missense variant.
Genome position (GRCh38, 1-based): chr8:47,929,993, G>C on the plus strand (C>G on the coding strand, the complement: PRKDC is on the minus strand). VCF-style: chr8-47929993-G-C. GRCh37 (hg19) VCF-style: chr8-48842553-G-C.
Other names: c.1912C>G, p.Gln638Glu (NM_001081640.2); short protein forms Q638E.
Identifiers: ClinVar variation 3310170 (VCV003310170.1).
Genomic context (GRCh38, chr8:47,929,993, plus strand): 5'-TAGATTGCAAAATTAATTCATATGAAAATGAGTACACCCATGGTTCAAAAAATTCTGCTT[G>C]TTTCTCAGGGAGAATCTCTCTGTAAAAACAAATTAGAAATTGAAGGTAGAAATTTGTATC-3'
Protein context (NP_008835.5, residues 628-648): EFCREILPEK[Gln638Glu]AEFFEPWVYS